The following is an entry in ClinVar:

NM_133259.4(LRPPRC):c.30G>A (p.Trp10Ter)

Gene: LRPPRC (leucine rich pentatricopeptide repeat containing; minus strand). Cytogenetic location: 2p21.
Variant type: single nucleotide variant.
Coding change: c.30G>A on transcript NM_133259.4 (MANE Select); coding-DNA position 30, G replaced by A.
Protein change: p.Trp10Ter; replaces tryptophan 10 with a stop codon.
Molecular consequence: nonsense.
Genome position (GRCh38, 1-based): chr2:43,995,918, C>T on the plus strand (G>A on the coding strand, the complement: LRPPRC is on the minus strand). VCF-style: chr2-43995918-C-T. GRCh37 (hg19) VCF-style: chr2-44223057-C-T.
Other names: short protein forms W10*.
Identifiers: ClinVar variation 2022058 (VCV002022058.5), dbSNP rs1675041538, ClinGen allele CA346679336.

ClinVar aggregate classification (germline): Pathogenic. Review status: criteria provided, multiple submitters, no conflicts (2 of 4 stars). 2 submissions from 2 submitters: Pathogenic (2). Last evaluated 2026-07-02.

Conditions:
Congenital lactic acidosis, Saguenay-Lac-Saint-Jean type (MC4DN5). Also called: CYTOCHROME c OXIDASE DEFICIENCY, FRENCH CANADIAN TYPE; COX DEFICIENCY, FRENCH CANADIAN TYPE; MITOCHONDRIAL COMPLEX IV DEFICIENCY, NUCLEAR TYPE 5. Identifiers: Orphanet 70472, MedGen C1857355, MONDO:0009069, OMIM 220111.

Submissions (2):

Myriad Genetics, Inc.
Classification: Pathogenic for Congenital lactic acidosis, Saguenay-Lac-Saint-Jean type. Last evaluated: 2026-07-02. Review status: criteria provided, single submitter. Criteria: Myriad Autosomal Dominant, Autosomal Recessive and X-Linked Classification Criteria (2023). Collection method: clinical testing. Allele origin: unknown.
Comment: NM_133259.3(LRPPRC):c.30G>A(W10*) is a nonsense variant classified as pathogenic in the context of Leigh syndrome, French-Canadian type. W10* has not been observed in cases with relevant disease. Relevant functional assessments of this variant are not available in the literature. W10* has not been observed in referenced population frequency databases. In summary, NM_133259.3(LRPPRC):c.30G>A(W10*) is a nonsense variant in a gene where loss of function is a known mechanism of disease and is predicted to disrupt protein function. Please note: this variant was assessed in the context of healthy population screening.

Labcorp Genetics (formerly Invitae), Labcorp
Classification: Pathogenic. Last evaluated: 2022-08-06. Review status: criteria provided, single submitter. Criteria: Invitae Variant Classification Sherloc (09022015). Collection method: clinical testing. Allele origin: germline.
Comment: This variant is not present in population databases (gnomAD no frequency). This sequence change creates a premature translational stop signal (p.Trp10*) in the LRPPRC gene. It is expected to result in an absent or disrupted protein product. Loss-of-function variants in LRPPRC are known to be pathogenic (PMID: 26510951). For these reasons, this variant has been classified as Pathogenic. This variant has not been reported in the literature in individuals affected with LRPPRC-related conditions.

Literature cited by the submitters: PubMed 26510951 (cited by Labcorp Genetics (formerly Invitae), Labcorp).